The following is an entry in ClinVar:

ClinVar aggregate classification (germline): Conflicting classifications of pathogenicity. Review status: criteria provided, conflicting classifications (1 of 4 stars). 4 submissions from 4 submitters: Pathogenic (1); Likely pathogenic (2); Uncertain significance (1). Last evaluated 2024-11-04.

Conditions:
ASXL1-related disorder. Also called: ASXL1-related condition; ASXL1-related disorders.
Bohring-Opitz syndrome. Also called: OPITZ TRIGONOCEPHALY-LIKE SYNDROME; ASXL1-Related Bohring-Opitz Syndrome; C-LIKE SYNDROME; BOHRING SYNDROME. Identifiers: Orphanet 97297, MedGen C0796232, MONDO:0011510, OMIM 605039.

Allele frequency attached by ClinVar (database versions not stated): gnomAD 0.00003 and 0.00004; ExAC 0.00007; ESP Exome Variant Server 0.00008.
gnomAD v4.1: 48 of 1,613,930 alleles (0.003%); highest among the groups gnomAD compares: Middle Eastern, 0.016%; no homozygotes.

Submissions (4):

Blueprint Genetics
Classification: Likely pathogenic for ASXL1-related disorders. Last evaluated: 2024-11-04. Review status: criteria provided, single submitter. Criteria: ACMG Guidelines, 2015. Collection method: clinical testing. Allele origin: de novo. Affected: yes. Observed: 1 variant allele.

Labcorp Genetics (formerly Invitae), Labcorp
Classification: Pathogenic. Last evaluated: 2023-12-14. Review status: criteria provided, single submitter. Criteria: Invitae Variant Classification Sherloc (09022015). Collection method: clinical testing. Allele origin: germline.
Comment: This sequence change creates a premature translational stop signal (p.Arg417*) in the ASXL1 gene. It is expected to result in an absent or disrupted protein product. Loss-of-function variants in ASXL1 are known to be pathogenic (PMID: 21706002). The frequency data for this variant in the population databases is considered unreliable, as metrics indicate poor data quality at this position in the gnomAD database. This variant has not been reported in the literature in individuals affected with ASXL1-related conditions. ClinVar contains an entry for this variant (Variation ID: 285668). For these reasons, this variant has been classified as Pathogenic.

Equipe Genetique des Anomalies du Developpement, Université de Bourgogne
Classification: Likely pathogenic for Bohring-Opitz syndrome. Last evaluated: 2023-07-16. Review status: criteria provided, single submitter. Criteria: ACMG Guidelines, 2015. Collection method: clinical testing. Allele origin: de novo. Inheritance: Autosomal dominant inheritance. Affected: yes.

Eurofins Ntd Llc (ga)
Classification: Uncertain significance. Last evaluated: 2016-01-28. Review status: criteria provided, single submitter. Criteria: EGL Classification Definitions 2015. Collection method: clinical testing. Allele origin: germline. Observed: 2 variant alleles, 2 heterozygotes.

Literature cited by the submitters: PubMed 21706002 (cited by Labcorp Genetics (formerly Invitae), Labcorp).

NM_015338.6(ASXL1):c.1249C>T (p.Arg417Ter)

Gene: ASXL1 (ASXL transcriptional regulator 1; plus strand). Cytogenetic location: 20q11.21.
Variant type: single nucleotide variant.
Coding change: c.1249C>T on transcript NM_015338.6 (MANE Select); coding-DNA position 1249, C replaced by T.
Protein change: p.Arg417Ter; replaces arginine 417 with a stop codon.
Molecular consequence: nonsense.
Genome position (GRCh38, 1-based): chr20:32,433,447, C>T. VCF-style: chr20-32433447-C-T. GRCh37 (hg19) VCF-style: chr20-31021250-C-T.
Other names: c.1066C>T, p.Arg356Ter (NM_001363734.1); short protein forms R417*, R356*.
Identifiers: ClinVar variation 285668 (VCV000285668.11), dbSNP rs375215583, ClinGen allele CA9808325.